The following is an entry in ClinVar:

ClinVar aggregate classification (germline): Pathogenic/Likely pathogenic. Review status: criteria provided, multiple submitters, no conflicts (2 of 4 stars). 14 submissions from 14 submitters: Pathogenic (6); Likely pathogenic (7). 1 of the submissions does not count toward it. Last evaluated 2025-12-11.

Conditions:
ANKRD26-related disorder. Also called: ANKRD26-related condition.
Thrombocytopenia 2 (THC2). Also called: ANKRD26-Related Thrombocytopenia. Identifiers: Orphanet 268322, MedGen C1861185, MONDO:0008555, OMIM 188000.
Thrombocytopenia. Identifiers: MedGen C0040034, MeSH D013921, MONDO:0002049, HP:0001873.

Submissions (14):

Labcorp Genetics (formerly Invitae), Labcorp
Classification: Pathogenic. Last evaluated: 2025-12-11. Review status: criteria provided, single submitter. Criteria: Invitae Variant Classification Sherloc (09022015). Collection method: clinical testing. Allele origin: germline.
Comment: This variant occurs in a non-coding region of the ANKRD26 gene. It does not change the encoded amino acid sequence of the ANKRD26 protein. This variant is not present in population databases (gnomAD no frequency). This variant has been observed in individual(s) with thrombocytopenia (PMID: 21211618, 24628296). It has also been observed to segregate with disease in related individuals. ClinVar contains an entry for this variant (Variation ID: 627410). For these reasons, this variant has been classified as Pathogenic.

Women's Health and Genetics/Laboratory Corporation of America, LabCorp
Classification: Pathogenic for Thrombocytopenia 2. Last evaluated: 2025-06-10. Review status: criteria provided, single submitter. Criteria: LabCorp Variant Classification Summary - May 2015. Collection method: clinical testing. Allele origin: germline.
Comment: Variant summary: ANKRD26 c.-118C>T is located in the untranslated mRNA region upstream of the initiation codon. The variant was absent in 31404 control chromosomes (gnomAD). c.-118C>T has been observed in multiple individuals affected with Thrombocytopenia 2 and this variant co-segregated with the disease (Pippucci_2011, Marquez_2014). These data indicate that the variant is very likely to be associated with disease. To our knowledge, no experimental evidence demonstrating an impact on protein function has been reported. The following publications have been ascertained in the context of this evaluation (PMID: 24628296, 21211618). ClinVar contains an entry for this variant (Variation ID: 627410). Based on the evidence outlined above, the variant was classified as pathogenic.

GeneDx
Classification: Pathogenic. Last evaluated: 2025-05-02. Review status: criteria provided, single submitter. Criteria: GeneDx Variant Classification Process June 2021. Collection method: clinical testing. Allele origin: germline. Affected: yes.
Comment: This variant segregated with thrombocytopenia, myelodysplastic syndrome, and/or acute myeloid leukemia diagnoses in multiple families (PMID: 21467542, 21211618, 24628296, 30747248) and was also found to occur de novo in a child with thrombocytopenia (PMID: 26175287); Located in a regulatory region; in the absence of functional studies, the actual effect of this sequence change is unknown; While this variant does not appear to affect the start codon or the Kozak translational consensus sequence, variants in the ANKRD26 5' UTR have been shown to cause persistent ANKRD26 expression, leading to impaired transcription factor binding and MAPK hyperactivation (PMID: 21211618, 24430186, 29545013); No data available from control populations to assess the frequency of this variant; This variant is associated with the following publications: (PMID: 28669401, 21211618, 36651276, 31064749, 21467542, 24430186, 24628296, 22102272, 26175287, 30747248, 23223974, 29545013, 32581362, 28983057, 35587581, 39212265)

Laboratorio de Genetica e Diagnostico Molecular, Hospital Israelita Albert Einstein
Classification: Pathogenic for Thrombocytopenia 2. Last evaluated: 2025-04-29. Review status: criteria provided, single submitter. Criteria: ACMG Guidelines, 2015. Collection method: clinical testing. Allele origin: germline. Affected: yes.
Comment: ACMG classification criteria: PS4 strong, PM2 supporting, PP1 strong

Mayo Clinic Laboratories, Mayo Clinic
Classification: Likely pathogenic. Last evaluated: 2024-08-06. Review status: criteria provided, single submitter. Criteria: ACMG Guidelines, 2015. Collection method: clinical testing. Allele origin: germline. Observed: 3 variant alleles.
Comment: PP1_strong, PM2, PS4_moderate

Blueprint Genetics
Classification: Pathogenic for ANKRD26-related disorders. Last evaluated: 2024-07-01. Review status: criteria provided, single submitter. Criteria: ACMG Guidelines, 2015. Collection method: clinical testing. Allele origin: germline. Affected: yes. Observed: 5 variant alleles.

Johns Hopkins Genomics, Johns Hopkins University
Classification: Likely pathogenic for Thrombocytopenia 2. Last evaluated: 2024-02-17. Review status: criteria provided, single submitter. Criteria: ACMG Guidelines, 2015. Collection method: clinical testing. Allele origin: germline.
Comment: This ANKRD26 variant (rs1589393759) is absent from a large population dataset and has been reported in ClinVar. This nucleotide substitution in the 5' untranslated region of ANKRD26 gene has been reported in the literature in independent families with inherited thrombocytopenia. A different nucleotide change at this position was classified as pathogenic (c.-118C>G; ClinVar Variation ID: 626940). The nucleotide at this position is highly conserved across the mammalian species accessed. We consider c.-118C>T to be likely pathogenic for autosomal dominant thrombocytopenia-2.

Victorian Clinical Genetics Services, Murdoch Childrens Research Institute
Classification: Pathogenic for Thrombocytopenia 2. Last evaluated: 2023-07-17. Review status: criteria provided, single submitter. Criteria: ACMG Guidelines, 2015. Collection method: clinical testing. Allele origin: germline. Inheritance: Autosomal dominant inheritance. Affected: yes.
Comment: Based on the classification scheme VCGS_Germline_v1.3.4, this variant is classified as Pathogenic. Following criteria are met: 0101 - Gain of function is a known mechanism of disease in this gene and is associated with thrombocytopenia 2 (MIM#188000; PMID: 35587581). (I) 0107 - This gene is associated with autosomal dominant disease. (I) 0115 - Variants in this gene are known to have variable expressivity (PMID: 35587581). (I) 0217 - Non-coding variant with predicted effect. Other variants within the 5’ UTR of this gene have been shown to result in the loss of RUNX1-FLI1 mediated repression and therefore, persistently high levels of ANKRD26 mRNA (PMID: 35587581). (SP) 0251 - This variant is heterozygous. (I) 0301 - Variant is absent from gnomAD (both v2 and v3). (SP) 0602 - Variant is located in a hotspot region or cluster of pathogenic variants. It is located within the RUNX1-binding domain and two other pathogenic substitutions have been reported at this nucleotide position(PMID: 35587581). (SP) 0801 - This variant has strong previous evidence of pathogenicity in unrelated individuals. It has been reported in at least ten families with thrombocytopenia and consistently classified as pathogenic by diagnostic laboratories in ClinVar (PMID: 35587581). (SP) 1208 - Inheritance information for this variant is not currently available in this individual. (I) Legend: (SP) - Supporting pathogenic, (I) - Information, (SB) - Supporting benign

CeGaT Center for Human Genetics Tuebingen
Classification: Likely pathogenic. Last evaluated: 2022-12-01. Review status: criteria provided, single submitter. Criteria: CeGaT Center For Human Genetics Tuebingen Variant Classification Criteria Version 2. Collection method: clinical testing. Allele origin: germline. Affected: yes. Observed: 1 variant allele.
Comment: ANKRD26: PM1, PM2, PS4:Moderate, PP1, PP4

Genetics and Molecular Pathology, SA Pathology
Classification: Likely pathogenic for Thrombocytopenia 2. Last evaluated: 2022-03-30. Review status: criteria provided, single submitter. Criteria: ACMG Guidelines, 2015. Collection method: clinical testing. Allele origin: germline. Inheritance: Autosomal dominant inheritance. Affected: yes.

NIHR Bioresource Rare Diseases, University of Cambridge
Classification: Likely pathogenic for Thrombocytopenia. Last evaluated: 2019-02-01. Review status: criteria provided, single submitter. Criteria: ACMG Guidelines, 2015. Collection method: research. Allele origin: unknown. Affected: yes. Observed: 2 heterozygotes. Study: ThromboGenomics.

Clinical Genetics Service, Universitary Hospital 12 de Octubre
Classification: Likely pathogenic for Thrombocytopenia 2. Review status: criteria provided, single submitter. Criteria: ACMG Guidelines, 2015. Collection method: clinical testing. Allele origin: germline. Affected: yes.

ISTH-SSC Genomics in Thrombosis and Hemostasis, KU Leuven, Center for Molecular and Vascular Biology
Classification: Likely pathogenic for Thrombocytopenia 2. Review status: criteria provided, single submitter. Criteria: ACMG Guidelines, 2015. Collection method: clinical testing. Allele origin: germline. Affected: yes. Observed: 1 heterozygote.
Comment: Submitted to GoldVariant by Jose María Bastida and José Rivera; Grupo Español de Alteraciones Plaquetarias Congénitas (GEAPC)

PreventionGenetics, part of Exact Sciences
Classification: Pathogenic for ANKRD26-related condition. Last evaluated: 2024-08-06. Review status: no assertion criteria provided. Collection method: clinical testing. Allele origin: germline. Not counted in ClinVar's aggregate classification.
Comment: The ANKRD26 c.-118C>T variant is located in the 5' untranslated region. This variant, and several other variants in the 5’ UTR of the ANKRD26 gene, including similar variants c.-118C>A and c.-118C>T, have been reported in individuals and families with thrombocytopenia (Diep et al. 2019. PubMed ID: 30747248; Pippucci et al. 2011. PubMed ID: 21211618; Noris et al. 2011. PubMed ID: 21467542). Variants in the 5’ UTR of the ANKRD26 gene, including substitutions of nucleotide c.-118 (e.g. c.-118C>T) have also been associated with predisposition to myeloid malignancies (Noris et al. 2013. PubMed ID: 24030261; Marquez et al. 2014. PubMed ID: 24628296). This variant has not been reported in a large population database, indicating this variant is rare. This variant is interpreted as like pathogenic or pathogenic in ClinVar. This variant is interpreted as pathogenic.

Literature cited by the submitters: PubMed 21211618 (cited by 4 submitters); PubMed 24628296 (cited by 3 submitters); PubMed 26175287 (cited by Mayo Clinic Laboratories, Mayo Clinic); PubMed 28983057 (cited by Mayo Clinic Laboratories, Mayo Clinic); PubMed 30747248 (cited by 3 submitters); PubMed 31064749 (cited by 3 submitters); PubMed 35587581 (cited by Mayo Clinic Laboratories, Mayo Clinic and Victorian Clinical Genetics Services, Murdoch Childrens Research Institute); PubMed 21467542 (cited by Johns Hopkins Genomics, Johns Hopkins University); PubMed 35537115 (cited by Johns Hopkins Genomics, Johns Hopkins University).

NM_014915.3(ANKRD26):c.-118C>T

Gene: ANKRD26 (ankyrin repeat domain 26; minus strand). Cytogenetic location: 10p12.1.
Variant type: single nucleotide variant.
Coding change: c.-118C>T on transcript NM_014915.3 (MANE Select); 118 bases upstream of the start codon, C replaced by T.
Molecular consequence: 5 prime UTR variant.
Genome position (GRCh38, 1-based): chr10:27,100,444, G>A on the plus strand (C>T on the coding strand, the complement: ANKRD26 is on the minus strand). VCF-style: chr10-27100444-G-A. GRCh37 (hg19) VCF-style: chr10-27389373-G-A.
Other names: p.?; c.-118C>T (NM_001256053.2).
Identifiers: ClinVar variation 627410 (VCV000627410.48), dbSNP rs1589393759, ClinGen allele CA913185907.
Genomic context (GRCh38, chr10:27,100,444, plus strand): 5'-CCGGAGCCCAACATAACAAGTCAGCCCCGGCTGGCCGCAGCCTCCCAAAGGAAACTCCGC[G>A]GTTTCCAATCTCTCCCTCCGGGTTACCAAGCAAGCGATCCCGCTAGACACAAGTGCGCAT-3'